The following is an entry in ClinVar:

ClinVar aggregate classification (germline): Uncertain significance (1 of 4 stars; one submission).

Conditions:
Autosomal dominant childhood-onset proximal spinal muscular atrophy with contractures (SMALED2A). Also called: SPINAL MUSCULAR ATROPHY, LOWER EXTREMITY-PREDOMINANT, 2A, CHILDHOOD ONSET, AUTOSOMAL DOMINANT; Spinal muscular atrophy, lower extremity-predominant, 2A, autosomal dominant. Identifiers: Orphanet 363447, Orphanet 363454, MedGen C4747715, MONDO:0014121, OMIM 615290.

Submission:

Labcorp Genetics (formerly Invitae), Labcorp
Classification: Uncertain significance for Autosomal dominant childhood-onset proximal spinal muscular atrophy with contractures. Last evaluated: 2024-02-17. Review status: criteria provided, single submitter. Criteria: Invitae Variant Classification Sherloc (09022015). Collection method: clinical testing. Allele origin: germline.
Comment: This sequence change replaces lysine, which is basic and polar, with asparagine, which is neutral and polar, at codon 254 of the BICD2 protein (p.Lys254Asn). This variant is not present in population databases (gnomAD no frequency). This variant has not been reported in the literature in individuals affected with BICD2-related conditions. Advanced modeling of protein sequence and biophysical properties (such as structural, functional, and spatial information, amino acid conservation, physicochemical variation, residue mobility, and thermodynamic stability) has been performed at Invitae for this missense variant, however the output from this modeling did not meet the statistical confidence thresholds required to predict the impact of this variant on BICD2 protein function. In summary, the available evidence is currently insufficient to determine the role of this variant in disease. Therefore, it has been classified as a Variant of Uncertain Significance.

NM_001003800.2(BICD2):c.762G>T (p.Lys254Asn)

Gene: BICD2 (BICD cargo adaptor 2; minus strand). Cytogenetic location: 9q22.31.
Variant type: single nucleotide variant.
Coding change: c.762G>T on transcript NM_001003800.2 (MANE Select); coding-DNA position 762, G replaced by T.
Protein change: p.Lys254Asn; replaces lysine 254 with asparagine.
Molecular consequence: missense variant.
Genome position (GRCh38, 1-based): chr9:92,720,600, C>A on the plus strand (G>T on the coding strand, the complement: BICD2 is on the minus strand). VCF-style: chr9-92720600-C-A. GRCh37 (hg19) VCF-style: chr9-95482882-C-A.
Other names: c.762G>T, p.Lys254Asn (NM_015250.4); short protein forms K254N.
Identifiers: ClinVar variation 3641682 (VCV003641682.2).